The following is an entry in ClinVar:

NM_000810.4(GABRA5):c.1184C>A (p.Ala395Glu)

Gene: GABRA5 (gamma-aminobutyric acid type A receptor subunit alpha5; plus strand). Cytogenetic location: 15q12.
Variant type: single nucleotide variant.
Coding change: c.1184C>A on transcript NM_000810.4 (MANE Select); coding-DNA position 1184, C replaced by A.
Protein change: p.Ala395Glu; replaces alanine 395 with glutamic acid.
Molecular consequence: missense variant.
Genome position (GRCh38, 1-based): chr15:26,948,028, C>A. VCF-style: chr15-26948028-C-A. GRCh37 (hg19) VCF-style: chr15-27193175-C-A.
Other names: c.1184C>A, p.Ala395Glu (NM_001165037.2); short protein forms A395E.
Identifiers: ClinVar variation 4538875 (VCV004538875.1).

ClinVar aggregate classification (germline): Uncertain significance (1 of 4 stars; one submission).

Submission:

GeneDx
Classification: Uncertain significance. Last evaluated: 2025-06-17. Review status: criteria provided, single submitter. Criteria: GeneDx Variant Classification Process June 2021. Collection method: clinical testing. Allele origin: germline. Affected: yes.
Comment: Not observed at significant frequency in large population cohorts (gnomAD); In silico analysis suggests that this missense variant does not alter protein structure/function; Has not been previously published as pathogenic or benign to our knowledge